The following is an entry in ClinVar:

NM_001378120.1(MBD5):c.5104_5107del (p.Ser1702fs)

Gene: MBD5 (methyl-CpG binding domain protein 5; plus strand). Cytogenetic location: 2q23.1.
Variant type: Deletion.
Coding change: c.5104_5107del on transcript NM_001378120.1 (MANE Select); coding-DNA positions 5104 to 5107, 4 bases deleted (TCTG; older notation c.5104_5107delTCTG).
Protein change: p.Ser1702fs; shifts the reading frame from serine 1702.
Molecular consequence: frameshift variant.
Genome position (GRCh38, 1-based): chr2:148,510,127-148,510,130, TCTG deleted; deleting any 4 consecutive bases within chr2:148,510,125-148,510,130 gives the same sequence; the c. name uses the placement nearest the transcript's 3' end. VCF-style (leftmost placement, unchanged base first): chr2-148510124-ATGTC-A. GRCh37 (hg19) VCF-style: chr2-149267693-ATGTC-A.
Other names: c.4405_4408del, p.Ser1469fs (NM_018328.5); short protein forms S1469fs, S1702fs.
Identifiers: ClinVar variation 2028588 (VCV002028588.4), dbSNP rs2470171996, ClinGen allele CA2580063856.

ClinVar aggregate classification (germline): Uncertain significance (1 of 4 stars; one submission).

Conditions:
Intellectual developmental disorder, autosomal dominant 1. Also called: MBD5 Haploinsufficiency; Intellectual disability, autosomal dominant 1. Identifiers: Orphanet 228402, MedGen C1969562, MONDO:0007974, OMIM 156200.

Submission:

Labcorp Genetics (formerly Invitae), Labcorp
Classification: Uncertain significance for Intellectual developmental disorder, autosomal dominant 1. Last evaluated: 2022-09-02. Review status: criteria provided, single submitter. Criteria: Invitae Variant Classification Sherloc (09022015). Collection method: clinical testing. Allele origin: germline.
Comment: In summary, the available evidence is currently insufficient to determine the role of this variant in disease. Therefore, it has been classified as a Variant of Uncertain Significance. Experimental studies and prediction algorithms are not available or were not evaluated, and the functional significance of this variant is currently unknown. This variant has not been reported in the literature in individuals affected with MBD5-related conditions. This variant is not present in population databases (gnomAD no frequency). This sequence change creates a premature translational stop signal (p.Ser1469Glyfs*13) in the MBD5 gene. While this is not anticipated to result in nonsense mediated decay, it is expected to disrupt the last 26 amino acid(s) of the MBD5 protein.